The following is an entry in ClinVar:

NM_001010874.5(TECRL):c.531A>G (p.Arg177=)

Gene: TECRL (trans-2,3-enoyl-CoA reductase like; minus strand). Cytogenetic location: 4q13.1.
Variant type: single nucleotide variant.
Coding change: c.531A>G on transcript NM_001010874.5 (MANE Select); coding-DNA position 531, A replaced by G.
Protein change: p.Arg177=; no amino-acid change (arginine 177 retained).
Molecular consequence: synonymous variant.
Genome position (GRCh38, 1-based): chr4:64,314,668, T>C on the plus strand (A>G on the coding strand, the complement: TECRL is on the minus strand). VCF-style: chr4-64314668-T-C. GRCh37 (hg19) VCF-style: chr4-65180386-T-C.
Other names: c.531A>G, p.Arg177= (NM_001363796.1).
Identifiers: ClinVar variation 5030603 (VCV005030603.1).

ClinVar aggregate classification (germline): Uncertain significance (1 of 4 stars; one submission).

Conditions:
Cardiovascular phenotype. Identifiers: MedGen CN230736.

Submission:

Ambry Genetics
Classification: Uncertain significance for Cardiovascular phenotype. Last evaluated: 2026-08-10. Review status: criteria provided, single submitter. Criteria: Ambry Variant Classification Scheme 2023. Collection method: clinical testing. Allele origin: germline.
Comment: The c.531A>G variant (also known as p.R177R), located in coding exon 5 of the TECRL gene, results from an A to G substitution at nucleotide position 531. This nucleotide substitution does not change the amino acid at codon 177. This nucleotide position is not well conserved in available vertebrate species. In silico splice site analysis predicts that this alteration may weaken the native splice donor site. Based on the available evidence, the clinical significance of this variant remains unclear.